The following is an entry in ClinVar:

NM_182914.3(SYNE2):c.3113T>C (p.Met1038Thr)

Gene: SYNE2 (spectrin repeat containing nuclear envelope protein 2; plus strand). Cytogenetic location: 14q23.2.
Variant type: single nucleotide variant.
Coding change: c.3113T>C on transcript NM_182914.3 (MANE Select); coding-DNA position 3113, T replaced by C.
Protein change: p.Met1038Thr; replaces methionine 1038 with threonine.
Molecular consequence: missense variant.
Genome position (GRCh38, 1-based): chr14:63,997,119, T>C. VCF-style: chr14-63997119-T-C. GRCh37 (hg19) VCF-style: chr14-64463837-T-C.
Other names: c.3113T>C, p.Met1038Thr (NM_015180.6); short protein forms M1038T.
Identifiers: ClinVar variation 940079 (VCV000940079.9), dbSNP rs2096719569, ClinGen allele CA389988266.

ClinVar aggregate classification (germline): Uncertain significance (1 of 4 stars; one submission).

Conditions:
Emery-Dreifuss muscular dystrophy 5, autosomal dominant (EDMD5). Also called: EMERY-DREIFUSS MUSCULAR DYSTROPHY 5. Identifiers: Orphanet 261, MedGen C2751805, MONDO:0013072, OMIM 612999.

Allele frequency attached by ClinVar (database versions not stated): gnomAD exomes below 0.00001.

Submission:

Labcorp Genetics (formerly Invitae), Labcorp
Classification: Uncertain significance for Emery-Dreifuss muscular dystrophy 5, autosomal dominant. Last evaluated: 2022-02-17. Review status: criteria provided, single submitter. Criteria: Invitae Variant Classification Sherloc (09022015). Collection method: clinical testing. Allele origin: germline.
Comment: In summary, the available evidence is currently insufficient to determine the role of this variant in disease. Therefore, it has been classified as a Variant of Uncertain Significance. Algorithms developed to predict the effect of missense changes on protein structure and function output the following: SIFT: "Tolerated"; PolyPhen-2: "Benign"; Align-GVGD: "Class C0". The threonine amino acid residue is found in multiple mammalian species, which suggests that this missense change does not adversely affect protein function. ClinVar contains an entry for this variant (Variation ID: 940079). This variant has not been reported in the literature in individuals affected with SYNE2-related conditions. This variant is not present in population databases (gnomAD no frequency). This sequence change replaces methionine, which is neutral and non-polar, with threonine, which is neutral and polar, at codon 1038 of the SYNE2 protein (p.Met1038Thr).